The following is an entry in ClinVar:

NM_002335.4(LRP5):c.2111T>C (p.Met704Thr)

Gene: LRP5 (LDL receptor related protein 5; plus strand). Cytogenetic location: 11q13.2.
Variant type: single nucleotide variant.
Coding change: c.2111T>C on transcript NM_002335.4 (MANE Select); coding-DNA position 2111, T replaced by C.
Protein change: p.Met704Thr; replaces methionine 704 with threonine.
Molecular consequence: missense variant.
Genome position (GRCh38, 1-based): chr11:68,409,933, T>C. VCF-style: chr11-68409933-T-C. GRCh37 (hg19) VCF-style: chr11-68177401-T-C.
Other names: c.368T>C, p.Met123Thr (NM_001291902.2); c.2111T>C (NM_002335.3, NM_002335.2); short protein forms M704T, M123T.
Identifiers: ClinVar variation 1401783 (VCV001401783.10), dbSNP rs2098658465, ClinGen allele CA381616291.

ClinVar aggregate classification (germline): Uncertain significance. Review status: criteria provided, multiple submitters, no conflicts (2 of 4 stars). 3 submissions from 3 submitters: Uncertain significance (3). Last evaluated 2025-08-14.

Conditions:
Inborn genetic diseases. Identifiers: MedGen C0950123, MeSH D030342.
LRP5-related disorder. Also called: LRP5-related condition.

Allele frequency attached by ClinVar (database versions not stated): TOPMed below 0.00001; gnomAD exomes 0.00001.
gnomAD v4.1: 12 of 1,613,688 alleles (0.00074%); highest among the groups gnomAD compares: South Asian, 0.0011%; no homozygotes.

Submissions (3):

PreventionGenetics, part of Exact Sciences
Classification: Uncertain significance for LRP5-related condition. Last evaluated: 2025-08-14. Review status: criteria provided, single submitter. Criteria: ACMG Guidelines, 2015. Collection method: clinical testing. Allele origin: germline.
Comment: The LRP5 c.2111T>C variant is predicted to result in the amino acid substitution p.Met704Thr. To our knowledge, this variant has not been reported in the literature or in a large population database (gnomAD), indicating this variant is rare. At this time, the clinical significance of this variant is uncertain due to the absence of conclusive functional and genetic evidence.

Labcorp Genetics (formerly Invitae), Labcorp
Classification: Uncertain significance. Last evaluated: 2025-03-11. Review status: criteria provided, single submitter. Criteria: Invitae Variant Classification Sherloc (09022015). Collection method: clinical testing. Allele origin: germline.
Comment: This sequence change replaces methionine, which is neutral and non-polar, with threonine, which is neutral and polar, at codon 704 of the LRP5 protein (p.Met704Thr). This variant is not present in population databases (gnomAD no frequency). This variant has not been reported in the literature in individuals affected with LRP5-related conditions. ClinVar contains an entry for this variant (Variation ID: 1401783). Invitae Evidence Modeling of protein sequence and biophysical properties (such as structural, functional, and spatial information, amino acid conservation, physicochemical variation, residue mobility, and thermodynamic stability) has been performed for this missense variant. However, the output from this modeling did not meet the statistical confidence thresholds required to predict the impact of this variant on LRP5 protein function. In summary, the available evidence is currently insufficient to determine the role of this variant in disease. Therefore, it has been classified as a Variant of Uncertain Significance.

Ambry Genetics
Classification: Uncertain significance for Inborn genetic diseases. Last evaluated: 2022-06-28. Review status: criteria provided, single submitter. Criteria: Ambry Variant Classification Scheme 2023. Collection method: clinical testing. Allele origin: germline.